The following is an entry in ClinVar:

NM_001367624.2(ZNF469):c.10517del (p.Pro3506fs)

Gene: ZNF469 (zinc finger protein 469; plus strand). Cytogenetic location: 16q24.2.
Variant type: Deletion.
Coding change: c.10517del on transcript NM_001367624.2 (MANE Select); coding-DNA position 10517, one base deleted (C; older notation c.10517delC).
Protein change: p.Pro3506fs; shifts the reading frame from proline 3506.
Molecular consequence: frameshift variant.
Genome position (GRCh38, 1-based): chr16:88,437,987, C deleted; the last of 3 consecutive C bases (chr16:88,437,985-88,437,987); deleting any one gives the same sequence. VCF-style (leftmost placement, unchanged base first): chr16-88437984-TC-T. GRCh37 (hg19) VCF-style: chr16-88504392-TC-T.
Other names: short protein forms P3506fs.
Identifiers: ClinVar variation 2747396 (VCV002747396.3), dbSNP rs2507606626, ClinGen allele CA2697555985.

ClinVar aggregate classification (germline): Pathogenic (1 of 4 stars; one submission).

Submission:

Labcorp Genetics (formerly Invitae), Labcorp
Classification: Pathogenic. Last evaluated: 2023-07-27. Review status: criteria provided, single submitter. Criteria: Invitae Variant Classification Sherloc (09022015). Collection method: clinical testing. Allele origin: germline.
Comment: This sequence change creates a premature translational stop signal (p.Pro3478Argfs*22) in the ZNF469 gene. While this is not anticipated to result in nonsense mediated decay, it is expected to disrupt the last 448 amino acid(s) of the ZNF469 protein. This variant is not present in population databases (gnomAD no frequency). This variant has not been reported in the literature in individuals affected with ZNF469-related conditions. This variant disrupts a region of the ZNF469 protein in which other variant(s) (p.Pro3556Glnfs*136) have been determined to be pathogenic (PMID: 32671420). This suggests that this is a clinically significant region of the protein, and that variants that disrupt it are likely to be disease-causing. For these reasons, this variant has been classified as Pathogenic.

Literature cited by the submitters: PubMed 32671420.